The following is an entry in ClinVar:

ClinVar aggregate classification (germline): Likely pathogenic (1 of 4 stars; one submission).

Submission:

Mayo Clinic Laboratories, Mayo Clinic
Classification: Likely pathogenic. Last evaluated: 2024-03-11. Review status: criteria provided, single submitter. Criteria: ACMG Guidelines, 2015. Collection method: clinical testing. Allele origin: germline. Observed: 1 variant allele.
Comment: PP1, PP3, PM2_moderate, PS4_moderate

Literature cited by the submitters: PubMed 16769589; PubMed 21645180; PubMed 32166871.

NM_000132.4(F8):c.1349A>G (p.Tyr450Cys)

Gene: F8 (coagulation factor VIII; minus strand). Cytogenetic location: Xq28.
Variant type: single nucleotide variant.
Coding change: c.1349A>G on transcript NM_000132.4 (MANE Select); coding-DNA position 1349, A replaced by G.
Protein change: p.Tyr450Cys; replaces tyrosine 450 with cysteine.
Molecular consequence: missense variant.
Genome position (GRCh38, 1-based): chrX:154,966,064, T>C on the plus strand (A>G on the coding strand, the complement: F8 is on the minus strand). VCF-style: chrX-154966064-T-C. GRCh37 (hg19) VCF-style: chrX-154194339-T-C.
Other names: p.Tyr450Cys; short protein forms Y450C.
Identifiers: ClinVar variation 3380942 (VCV003380942.1).